The following is an entry in ClinVar:

NM_006031.6(PCNT):c.6150+6G>A

Gene: PCNT (pericentrin; plus strand). Cytogenetic location: 21q22.3.
Variant type: single nucleotide variant.
Coding change: c.6150+6G>A on transcript NM_006031.6 (MANE Select); 6 bases into the intron after coding-DNA position 6150, G replaced by A.
Molecular consequence: intron variant.
Genome position (GRCh38, 1-based): chr21:46,412,998, G>A. VCF-style: chr21-46412998-G-A. GRCh37 (hg19) VCF-style: chr21-47832912-G-A.
Other names: c.6150+6G>A (NM_006031.5); c.5796+6G>A (NM_001315529.2).
Identifiers: ClinVar variation 1521098 (VCV001521098.5), dbSNP rs369584693, ClinGen allele CA10080219.

ClinVar aggregate classification (germline): Uncertain significance. Review status: criteria provided, multiple submitters, no conflicts (2 of 4 stars). 2 submissions from 2 submitters: Uncertain significance (2). Last evaluated 2026-05-06.

Conditions:
PCNT-related disorder. Also called: PCNT-related condition.

Allele frequency attached by ClinVar (database versions not stated): gnomAD 0.00001; gnomAD exomes 0.00002 and 0.00004; ExAC 0.00006; ESP Exome Variant Server 0.00015.
gnomAD v4.1: 28 of 1,606,328 alleles (0.0017%); highest among the groups gnomAD compares: Non-Finnish European, 0.0021%; no homozygotes.

Submissions (2):

PreventionGenetics, part of Exact Sciences
Classification: Uncertain significance for PCNT-related condition. Last evaluated: 2026-05-06. Review status: criteria provided, single submitter. Criteria: ACMG Guidelines, 2015. Collection method: clinical testing. Allele origin: germline.
Comment: The PCNT c.6150+6G>A variant is predicted to interfere with splicing. This variant is predicted to alter splicing based on available splicing prediction programs (SpliceAI, Jaganathan et al. 2019. PubMed ID: 30661751). However, the use of computer prediction programs is not equivalent to functional evidence. To our knowledge, this variant has not been reported in the literature. This variant is reported in 0.0062% of alleles in individuals of African descent in gnomAD. At this time, the clinical significance of this variant is uncertain due to the absence of conclusive functional and genetic evidence.

Labcorp Genetics (formerly Invitae), Labcorp
Classification: Uncertain significance. Last evaluated: 2026-01-24. Review status: criteria provided, single submitter. Criteria: Invitae Variant Classification Sherloc (09022015). Collection method: clinical testing. Allele origin: germline.
Comment: This sequence change falls in intron 29 of the PCNT gene. It does not directly change the encoded amino acid sequence of the PCNT protein. It affects a nucleotide within the consensus splice site. This variant is present in population databases (rs369584693, gnomAD 0.007%). This variant has not been reported in the literature in individuals affected with PCNT-related conditions. ClinVar contains an entry for this variant (Variation ID: 1521098). Variants that disrupt the consensus splice site are a relatively common cause of aberrant splicing (PMID: 17576681, 9536098). Algorithms developed to predict the effect of sequence changes on RNA splicing suggest that this variant may create or strengthen a splice site. In summary, the available evidence is currently insufficient to determine the role of this variant in disease. Therefore, it has been classified as a Variant of Uncertain Significance.

Literature cited by the submitters: PubMed 17576681 (cited by Labcorp Genetics (formerly Invitae), Labcorp); PubMed 9536098 (cited by Labcorp Genetics (formerly Invitae), Labcorp).